The following is an entry in ClinVar:

NM_001849.4(COL6A2):c.1037_1038delinsTT (p.Gly346Val)

Gene: COL6A2 (collagen type VI alpha 2 chain; plus strand). Cytogenetic location: 21q22.3.
Variant type: Indel.
Coding change: c.1037_1038delinsTT on transcript NM_001849.4 (MANE Select); coding-DNA positions 1037 to 1038, GA replaced by TT.
Protein change: p.Gly346Val; replaces glycine 346 with valine.
Molecular consequence: missense variant.
Genome position (GRCh38, 1-based): chr21:46,117,437-46,117,438, GA replaced by TT. VCF-style: chr21-46117437-GA-TT. GRCh37 (hg19) VCF-style: chr21-47537351-GA-TT.
Other names: c.1037_1038delinsTT, p.Gly346Val (NM_058174.3, NM_058175.3); c.1037_1038delGAinsTT (NM_001849.3); short protein forms G346V.
Identifiers: ClinVar variation 576081 (VCV000576081.11), dbSNP rs1568930426, ClinGen allele CA891843541.
Genomic context (GRCh38, chr21:46,117,437, plus strand): 5'-CCTCCTGCCCCCTTCTCCTTCAGGGCAAGCTGGGGCGCATCGGACCTCCTGGCTGCAAGG[GA>TT]GACCCTGGAAACCGGGTAAGGGCCGTTTGCACCCCTCCTTCAGCCTCGGCCCAGGGGGTG-3'
Protein context (NP_001840.3, residues 336-356): LGRIGPPGCK[Gly346Val]DPGNRGPDGY

ClinVar aggregate classification (germline): Conflicting classifications of pathogenicity. Review status: criteria provided, conflicting classifications (1 of 4 stars). 2 submissions from 2 submitters: Likely pathogenic (1); Uncertain significance (1). Last evaluated 2018-06-07.

Conditions:
Bethlem myopathy 1A. Also called: Bethlem myopathy 1; MYOPATHY, BENIGN CONGENITAL, WITH CONTRACTURES; Bethlem Muscular Dystrophy. Identifiers: Orphanet 610, MedGen CN029274, MONDO:0024530, OMIM 158810.

Submissions (2):

Labcorp Genetics (formerly Invitae), Labcorp
Classification: Uncertain significance for Bethlem myopathy 1A. Last evaluated: 2018-06-07. Review status: criteria provided, single submitter. Criteria: Invitae Variant Classification Sherloc (09022015). Collection method: clinical testing. Allele origin: germline.
Comment: Glycine residues within the Gly-Xaa-Yaa repeats of the triple helix domain are required for the structure and stability of fibrillar collagens (PMID: 7695699, 8218237, 19344236). In COL6A2, missense variants at these glycine residues are significantly enriched in individuals with disease (PMID: 15689448, 24038877) compared to the general population (ExAC). In summary, the available evidence is currently insufficient to determine the role of this variant in disease. Therefore, it has been classified as a Variant of Uncertain Significance. Algorithms developed to predict the effect of sequence changes on RNA splicing suggest that this variant may create or strengthen a splice site, but this prediction has not been confirmed by published transcriptional studies. Algorithms developed to predict the effect of missense changes on protein structure and function are either unavailable or do not agree on the potential impact of this missense change (SIFT: "Deleterious"; PolyPhen-2: "Probably Damaging"; Align-GVGD: "Class C0"). This variant has not been reported in the literature in individuals with COL6A2-related disease. This variant is not present in population databases (ExAC no frequency). This sequence change replaces glycine with valine at codon 346 of the COL6A2 protein (p.Gly346Val). The glycine residue is moderately conserved and there is a moderate physicochemical difference between glycine and valine.

Eurofins Ntd Llc (ga)
Classification: Likely pathogenic. Last evaluated: 2018-06-01. Review status: criteria provided, single submitter. Criteria: EGL ClinVar v180209 classification definitions. Collection method: clinical testing. Allele origin: germline. Observed: 1 variant allele, 1 heterozygote.

Literature cited by the submitters: PubMed 7695699 (cited by Labcorp Genetics (formerly Invitae), Labcorp); PubMed 8218237 (cited by Labcorp Genetics (formerly Invitae), Labcorp); PubMed 19344236 (cited by Labcorp Genetics (formerly Invitae), Labcorp); PubMed 15689448 (cited by Labcorp Genetics (formerly Invitae), Labcorp); PubMed 24038877 (cited by Labcorp Genetics (formerly Invitae), Labcorp).